The following is an entry in ClinVar:

NM_013275.6(ANKRD11):c.6610G>T (p.Glu2204Ter)

Gene: ANKRD11 (ankyrin repeat domain 11; minus strand). Cytogenetic location: 16q24.3.
Variant type: single nucleotide variant.
Coding change: c.6610G>T on transcript NM_013275.6 (MANE Select); coding-DNA position 6610, G replaced by T.
Protein change: p.Glu2204Ter; replaces glutamic acid 2204 with a stop codon.
Molecular consequence: nonsense.
Genome position (GRCh38, 1-based): chr16:89,279,932, C>A on the plus strand (G>T on the coding strand, the complement: ANKRD11 is on the minus strand). VCF-style: chr16-89279932-C-A. GRCh37 (hg19) VCF-style: chr16-89346340-C-A.
Other names: c.6610G>T, p.Glu2204Ter (NM_001256182.2, NM_001256183.2); short protein forms E2204*.
Identifiers: ClinVar variation 4533361 (VCV004533361.1).

ClinVar aggregate classification (germline): Pathogenic (1 of 4 stars; one submission).

Conditions:
KBG syndrome (KBGS). Also called: ANKRD11-Related KBG Syndrome. Identifiers: Orphanet 2332, MedGen C0220687, MONDO:0007846, OMIM 148050.

Submission:

Daryl Scott Lab, Baylor College of Medicine
Classification: Pathogenic for KBG syndrome. Last evaluated: 2025-08-25. Review status: criteria provided, single submitter. Criteria: ACMG Guidelines, 2015. Collection method: clinical testing. Allele origin: de novo. Affected: yes. Observed: 1 heterozygote.
Comment: PVS1, PS2, PM2